The following is an entry in ClinVar:

ClinVar aggregate classification (germline): Likely benign (0 of 4 stars; one submission).

Conditions:
TCIRG1-related disorder. Also called: TCIRG1-related condition.

Submission:

PreventionGenetics, part of Exact Sciences
Classification: Likely benign for TCIRG1-related condition. Last evaluated: 2019-02-21. Review status: no assertion criteria provided. Collection method: clinical testing. Allele origin: germline.
Comment: This variant is classified as likely benign based on ACMG/AMP sequence variant interpretation guidelines (Richards et al. 2015 PMID: 25741868, with internal and published modifications).

NM_006019.4(TCIRG1):c.1758C>T (p.Phe586=)

Gene: TCIRG1 (T cell immune regulator 1, ATPase H+ transporting V0 subunit a3; plus strand). Cytogenetic location: 11q13.2.
Variant type: single nucleotide variant.
Coding change: c.1758C>T on transcript NM_006019.4 (MANE Select); coding-DNA position 1758, C replaced by T.
Protein change: p.Phe586=; no amino-acid change (phenylalanine 586 retained).
Molecular consequence: synonymous variant.
Genome position (GRCh38, 1-based): chr11:68,049,165, C>T. VCF-style: chr11-68049165-C-T. GRCh37 (hg19) VCF-style: chr11-67816632-C-T.
Other names: c.864C>T, p.Phe288= (NM_001351059.2); c.1110C>T, p.Phe370= (NM_006053.4).
Identifiers: ClinVar variation 3057813 (VCV003057813.2), dbSNP rs2495658451, ClinGen allele CA475450435.
Genomic context (GRCh38, chr11:68,049,165, plus strand): 5'-GCTGCTGGAGACGCTGCCGGAGCTCACCTTCCTGCTGGGACTCTTCGGTTACCTCGTGTT[C>T]CTAGTCATCTACAAGTGGCTGTGTGTCTGGGCTGCCAGGGCCGCCTCGGCCCCCAGCATC-3'
Protein context (NP_006010.2, residues 576-596): FLLGLFGYLV[Phe586=]LVIYKWLCVW